The following is an entry in ClinVar:

NC_000016.9:g.(?_87677844)_(87970056_?)dup

Genes: CA5A (carbonic anhydrase 5A; minus strand), JPH3 (junctophilin 3; plus strand), KLHDC4 (kelch domain containing 4; minus strand), SLC7A5 (solute carrier family 7 member 5; minus strand). Cytogenetic location: 16q24.2.
Variant type: Duplication.
Identifiers: ClinVar variation 3243528 (VCV003243528.1).

ClinVar aggregate classification (germline): Uncertain significance (1 of 4 stars; one submission).

Conditions:
Hyperammonemic encephalopathy due to carbonic anhydrase VA deficiency. Also called: Carbonic anhydrase VA deficiency, hyperammonemia due to; Carbonic Anhydrase VA Deficiency. Identifiers: Orphanet 401948, MedGen C4706871, MONDO:0014332, OMIM 615751.

Submission:

Labcorp Genetics (formerly Invitae), Labcorp
Classification: Uncertain significance for Hyperammonemic encephalopathy due to carbonic anhydrase VA deficiency. Last evaluated: 2022-11-08. Review status: criteria provided, single submitter. Criteria: Invitae Variant Classification Sherloc (09022015). Collection method: clinical testing. Allele origin: unknown.
Comment: In summary, the available evidence is currently insufficient to determine the role of this variant in disease. Therefore, it has been classified as a Variant of Uncertain Significance. This variant has not been reported in the literature in individuals affected with CA5A-related conditions. A copy number gain of the genomic region encompassing the full coding sequence of the CA5A gene has been identified. The boundaries of this event are unknown as they extend beyond the assayed region for this gene and therefore may encompass additional genes. As the precise location of this event is unknown, it may be in tandem or it may be located elsewhere in the genome.